The following is an entry in ClinVar:

NM_001015877.2(PHF6):c.848G>A (p.Cys283Tyr)

Gene: PHF6 (PHD finger protein 6; plus strand). Cytogenetic location: Xq26.2.
Variant type: single nucleotide variant.
Coding change: c.848G>A on transcript NM_001015877.2 (MANE Select); coding-DNA position 848, G replaced by A.
Protein change: p.Cys283Tyr; replaces cysteine 283 with tyrosine.
Molecular consequence: missense variant.
Genome position (GRCh38, 1-based): chrX:134,417,182, G>A. VCF-style: chrX-134417182-G-A. GRCh37 (hg19) VCF-style: chrX-133551212-G-A.
Other names: c.848G>A, p.Cys283Tyr (NM_032458.3); short protein forms C283Y.
Identifiers: ClinVar variation 2635164 (VCV002635164.2), dbSNP rs2520644261, ClinGen allele CA414707685.

ClinVar aggregate classification (germline): Uncertain significance (1 of 4 stars; one submission).

Conditions:
PHF6-related disorder. Also called: PHF6-related condition.

Submission:

PreventionGenetics, part of Exact Sciences
Classification: Uncertain significance for PHF6-related condition. Last evaluated: 2025-10-23. Review status: criteria provided, single submitter. Criteria: ACMG Guidelines, 2015. Collection method: clinical testing. Allele origin: germline.
Comment: The PHF6 c.848G>A variant is predicted to result in the amino acid substitution p.Cys283Tyr. This variant affects a residue in a mutational hotspot protein-motif of PHF6 that is critical for protein function (Liu et al. 2014. PubMed ID: 24554700). To our knowledge, this variant has not been reported in affected individuals or in a large population database, indicating this variant is rare. Another change at this position, p.Cys283Arg and nearby p.Cys280Tyr, have been reported in individuals with PHF6-related disorders (Liu et al. 2014. PubMed ID: 24554700; please note that Cys280Tyr is referred to as Cys283Tyr by error once in the paper). Although we suspect that this variant may be pathogenic, at this time, the clinical significance of this variant is uncertain due to the absence of conclusive functional and genetic evidence.